The following is an entry in ClinVar:

ClinVar aggregate classification (germline): Uncertain significance. Review status: criteria provided, multiple submitters, no conflicts (2 of 4 stars). 3 submissions from 3 submitters: Uncertain significance (3). Last evaluated 2026-04-27.

Conditions:
Cardiovascular phenotype. Identifiers: MedGen CN230736.

Allele frequency attached by ClinVar (database versions not stated): ExAC 0.00001.
gnomAD v4.1: 10 of 1,610,964 alleles (0.00062%); highest among the groups gnomAD compares: Non-Finnish European, 0.00085%; no homozygotes.

Submissions (3):

Ambry Genetics
Classification: Uncertain significance for Cardiovascular phenotype. Last evaluated: 2026-04-27. Review status: criteria provided, single submitter. Criteria: Ambry Variant Classification Scheme 2023. Collection method: clinical testing. Allele origin: germline.
Comment: The p.A1874T variant (also known as c.5620G>A), located in coding exon 15 of the TNXB gene, results from a G to A substitution at nucleotide position 5620. The alanine at codon 1874 is replaced by threonine, an amino acid with similar properties. This amino acid position is conserved. In addition, this alteration is predicted to be tolerated by in silico analysis. Based on the available evidence, the clinical significance of this variant remains unclear.

Women's Health and Genetics/Laboratory Corporation of America, LabCorp
Classification: Uncertain significance. Last evaluated: 2025-12-26. Review status: criteria provided, single submitter. Criteria: LabCorp Variant Classification Summary - May 2015. Collection method: clinical testing. Allele origin: germline.
Comment: Variant summary: TNXB c.5620G>A (p.Ala1874Thr) results in a non-conservative amino acid change in the encoded protein sequence. Algorithms developed to predict the effect of missense changes on protein structure and function are either unavailable or do not agree on the potential impact of this missense change. The variant allele was found at a frequency of 4.1e-06 in 242692 control chromosomes. The available data on variant occurrences in the general population are insufficient to allow any conclusion about variant significance. To our knowledge, no occurrence of c.5620G>A in individuals affected with TNXB-related conditions and no experimental evidence demonstrating its impact on protein function have been reported. ClinVar contains an entry for this variant (Variation ID: 2574882). Based on the evidence outlined above, the variant was classified as uncertain significance.

GeneDx
Classification: Uncertain significance. Last evaluated: 2023-02-03. Review status: criteria provided, single submitter. Criteria: GeneDx Variant Classification Process June 2021. Collection method: clinical testing. Allele origin: germline. Affected: yes.
Comment: Has not been previously published as pathogenic or benign to our knowledge; Not observed at significant frequency in large population cohorts (gnomAD); In silico analysis supports that this missense variant does not alter protein structure/function

NM_001365276.2(TNXB):c.5620G>A (p.Ala1874Thr)

Gene: TNXB (tenascin XB; minus strand). Cytogenetic location: 6p21.33.
Variant type: single nucleotide variant.
Coding change: c.5620G>A on transcript NM_001365276.2 (MANE Select); coding-DNA position 5620, G replaced by A.
Protein change: p.Ala1874Thr; replaces alanine 1874 with threonine.
Molecular consequence: missense variant.
Genome position (GRCh38, 1-based): chr6:32,069,104, C>T on the plus strand (G>A on the coding strand, the complement: TNXB is on the minus strand). VCF-style: chr6-32069104-C-T. GRCh37 (hg19) VCF-style: chr6-32036881-C-T.
Other names: c.5620G>A, p.Ala1874Thr (NM_019105.8); short protein forms A1874T.
Identifiers: ClinVar variation 2574882 (VCV002574882.3), dbSNP rs752531006, ClinGen allele CA3734644.